The following is an entry in ClinVar:

NM_001845.6(COL4A1):c.967G>T (p.Gly323Cys)

Gene: COL4A1 (collagen type IV alpha 1 chain; minus strand). Cytogenetic location: 13q34.
Variant type: single nucleotide variant.
Coding change: c.967G>T on transcript NM_001845.6 (MANE Select); coding-DNA position 967, G replaced by T.
Protein change: p.Gly323Cys; replaces glycine 323 with cysteine.
Molecular consequence: missense variant.
Genome position (GRCh38, 1-based): chr13:110,203,598, C>A on the plus strand (G>T on the coding strand, the complement: COL4A1 is on the minus strand). VCF-style: chr13-110203598-C-A. GRCh37 (hg19) VCF-style: chr13-110855945-C-A.
Other names: c.967G>T, p.Gly323Cys (NM_001303110.2); short protein forms G323C.
Identifiers: ClinVar variation 4807199 (VCV004807199.1).

ClinVar aggregate classification (germline): Likely pathogenic (1 of 4 stars; one submission).

gnomAD v4.1: 2 of 1,614,116 alleles (0.00012%); highest among the groups gnomAD compares: Non-Finnish European, 0.000085%; no homozygotes.

Submission:

Labcorp Genetics (formerly Invitae), Labcorp
Classification: Likely pathogenic. Last evaluated: 2025-11-03. Review status: criteria provided, single submitter. Criteria: Invitae Variant Classification Sherloc (09022015). Collection method: clinical testing. Allele origin: germline.
Comment: This sequence change replaces glycine, which is neutral and non-polar, with cysteine, which is neutral and slightly polar, at codon 323 of the COL4A1 protein (p.Gly323Cys). This variant is not present in population databases (gnomAD no frequency). This variant has not been reported in the literature in individuals affected with COL4A1-related conditions. Invitae Evidence Modeling of protein sequence and biophysical properties (such as structural, functional, and spatial information, amino acid conservation, physicochemical variation, residue mobility, and thermodynamic stability) indicates that this missense variant is expected to disrupt COL4A1 protein function with a positive predictive value of 95%. This variant disrupts the triple helix domain of COL4A1. Glycine residues within the Gly-Xaa-Yaa repeats of the triple helix domain are required for the structure and stability of fibrillar collagens (PMID: 7695699, 8218237, 19344236). In COL4A1 variants affecting these glycine residues are significantly enriched in individuals with disease (PMID: 9016532, 17078022) compared to the general population (ExAC). In summary, the currently available evidence indicates that the variant is pathogenic, but additional data are needed to prove that conclusively. Therefore, this variant has been classified as Likely Pathogenic.

Literature cited by the submitters: PubMed 7695699; PubMed 8218237; PubMed 19344236; PubMed 9016532; PubMed 17078022.